The following is an entry in ClinVar:

NM_001277115.2(DNAH11):c.7978_7984dup (p.Phe2662fs)

Gene: DNAH11 (dynein axonemal heavy chain 11; plus strand). Cytogenetic location: 7p15.3.
Variant type: Duplication.
Coding change: c.7978_7984dup on transcript NM_001277115.2 (MANE Select); coding-DNA positions 7978 to 7984, 7 bases duplicated (CAAATCT; older notation c.7978_7984dupCAAATCT).
Protein change: p.Phe2662fs; shifts the reading frame from phenylalanine 2662.
Molecular consequence: frameshift variant.
Genome position (GRCh38, 1-based): chr7:21,741,990-21,741,996, CAAATCT duplicated. VCF-style (leftmost placement, unchanged base first): chr7-21741989-C-CCAAATCT. GRCh37 (hg19) VCF-style: chr7-21781607-C-CCAAATCT.
Other names: c.7999_8005dup, p.Phe2669Serfs (NM_003777.3); short protein forms F2662fs.
Identifiers: ClinVar variation 2863268 (VCV002863268.3), dbSNP rs2535107508, ClinGen allele CA2739266270.
Genomic context (GRCh38, chr7:21,741,989, plus strand): 5'-ACATTTCACAGTGTTTGCATTCAATTTTCCATCTTTGGATGCACTAAACACCATCTATGG[C>CCAAATCT]CAAATCTTTAGCTTCCATTTCCAACAGCAAGCATTTGCTCCATCAATTCTCAGGAGTGGC-3'

ClinVar aggregate classification (germline): Pathogenic (1 of 4 stars; one submission).

Conditions:
Primary ciliary dyskinesia. Also called: Ciliary dyskinesia. Identifiers: Orphanet 244, MedGen C0008780, MONDO:0016575, HP:0012265.

Submission:

Labcorp Genetics (formerly Invitae), Labcorp
Classification: Pathogenic for Primary ciliary dyskinesia. Last evaluated: 2025-03-10. Review status: criteria provided, single submitter. Criteria: Invitae Variant Classification Sherloc (09022015). Collection method: clinical testing. Allele origin: germline.
Comment: This sequence change creates a premature translational stop signal (p.Phe2662Serfs*4) in the DNAH11 gene. It is expected to result in an absent or disrupted protein product. Loss-of-function variants in DNAH11 are known to be pathogenic (PMID: 18022865, 20513915, 22184204). This variant is not present in population databases (gnomAD no frequency). This variant has not been reported in the literature in individuals affected with DNAH11-related conditions. ClinVar contains an entry for this variant (Variation ID: 2863268). Algorithms developed to predict the effect of sequence changes on RNA splicing suggest that this variant may disrupt the consensus splice site. For these reasons, this variant has been classified as Pathogenic.

Literature cited by the submitters: PubMed 18022865; PubMed 20513915; PubMed 22184204.